The following is an entry in ClinVar:

ClinVar aggregate classification (germline): Uncertain significance (1 of 4 stars; one submission).

Submission:

Labcorp Genetics (formerly Invitae), Labcorp
Classification: Uncertain significance. Last evaluated: 2024-06-24. Review status: criteria provided, single submitter. Criteria: Invitae Variant Classification Sherloc (09022015). Collection method: clinical testing. Allele origin: germline.
Comment: This sequence change replaces phenylalanine, which is neutral and non-polar, with serine, which is neutral and polar, at codon 1362 of the SNRNP200 protein (p.Phe1362Ser). This variant is not present in population databases (gnomAD no frequency). This variant has not been reported in the literature in individuals affected with SNRNP200-related conditions. Advanced modeling of protein sequence and biophysical properties (such as structural, functional, and spatial information, amino acid conservation, physicochemical variation, residue mobility, and thermodynamic stability) performed at Invitae indicates that this missense variant is expected to disrupt SNRNP200 protein function with a positive predictive value of 80%. In summary, the available evidence is currently insufficient to determine the role of this variant in disease. Therefore, it has been classified as a Variant of Uncertain Significance.

NM_014014.5(SNRNP200):c.4085T>C (p.Phe1362Ser)

Gene: SNRNP200 (small nuclear ribonucleoprotein U5 subunit 200; minus strand). Cytogenetic location: 2q11.2.
Variant type: single nucleotide variant.
Coding change: c.4085T>C on transcript NM_014014.5 (MANE Select); coding-DNA position 4085, T replaced by C.
Protein change: p.Phe1362Ser; replaces phenylalanine 1362 with serine.
Molecular consequence: missense variant.
Genome position (GRCh38, 1-based): chr2:96,285,259, A>G on the plus strand (T>C on the coding strand, the complement: SNRNP200 is on the minus strand). VCF-style: chr2-96285259-A-G. GRCh37 (hg19) VCF-style: chr2-96950997-A-G.
Other names: short protein forms F1362S.
Identifiers: ClinVar variation 3657698 (VCV003657698.2).